The following is an entry in ClinVar:

NM_000821.7(GGCX):c.1465G>A (p.Val489Met)

Gene: GGCX (gamma-glutamyl carboxylase; minus strand). Cytogenetic location: 2p11.2.
Variant type: single nucleotide variant.
Coding change: c.1465G>A on transcript NM_000821.7 (MANE Select); coding-DNA position 1465, G replaced by A.
Protein change: p.Val489Met; replaces valine 489 with methionine.
Molecular consequence: missense variant.
Genome position (GRCh38, 1-based): chr2:85,551,956, C>T on the plus strand (G>A on the coding strand, the complement: GGCX is on the minus strand). VCF-style: chr2-85551956-C-T. GRCh37 (hg19) VCF-style: chr2-85779079-C-T.
Other names: c.1294G>A, p.Val432Met (NM_001142269.4); short protein forms V432M, V489M.
Identifiers: ClinVar variation 1912311 (VCV001912311.4), dbSNP rs375186088, ClinGen allele CA1741802.

ClinVar aggregate classification (germline): Uncertain significance (1 of 4 stars; one submission).

Allele frequency attached by ClinVar (database versions not stated): ExAC 0.00002; ESP Exome Variant Server 0.00031.
gnomAD v4.1: 26 of 1,613,854 alleles (0.0016%); highest among the groups gnomAD compares: African/African-American, 0.032%; no homozygotes.

Submission:

Labcorp Genetics (formerly Invitae), Labcorp
Classification: Uncertain significance. Last evaluated: 2022-06-09. Review status: criteria provided, single submitter. Criteria: Invitae Variant Classification Sherloc (09022015). Collection method: clinical testing. Allele origin: germline.
Comment: Algorithms developed to predict the effect of missense changes on protein structure and function are either unavailable or do not agree on the potential impact of this missense change (SIFT: "Deleterious"; PolyPhen-2: "Possibly Damaging"; Align-GVGD: "Class C0"). In summary, the available evidence is currently insufficient to determine the role of this variant in disease. Therefore, it has been classified as a Variant of Uncertain Significance. This missense change has been observed in individual(s) with pulmonary arterial hypertension (PMID: 31727138). This variant is present in population databases (rs375186088, gnomAD 0.02%). This sequence change replaces valine, which is neutral and non-polar, with methionine, which is neutral and non-polar, at codon 489 of the GGCX protein (p.Val489Met).

Literature cited by the submitters: PubMed 31727138.